The following is an entry in ClinVar:

ClinVar aggregate classification (germline): Conflicting classifications of pathogenicity. Review status: criteria provided, conflicting classifications (1 of 4 stars). 3 submissions from 3 submitters: Uncertain significance (2); Likely benign (1). Last evaluated 2023-03-23.

Conditions:
Hereditary cancer-predisposing syndrome. Also called: Hereditary neoplastic syndrome; Neoplastic Syndromes, Hereditary; Tumor predisposition; Hereditary Cancer Syndrome. Identifiers: Orphanet 140162, MedGen C0027672, MeSH D009386, MONDO:0015356.

Submissions (3):

University of Washington Department of Laboratory Medicine, University of Washington
Classification: Likely benign for Hereditary cancer-predisposing syndrome. Last evaluated: 2023-03-23. Review status: criteria provided, single submitter. Criteria: Dines et al. (Genet Med. 2020). Collection method: curation. Allele origin: germline.
Comment: Missense variant in a coldspot region where missense variants are very unlikely to be pathogenic (PMID:31911673).

BRCA1 coldspot (exon 11 using historical exon numbering). Reclassification based on statistical prior probability

Ambry Genetics
Classification: Uncertain significance for Hereditary cancer-predisposing syndrome. Last evaluated: 2020-02-26. Review status: criteria provided, single submitter. Criteria: Ambry Variant Classification Scheme 2023. Collection method: clinical testing. Allele origin: germline.
Comment: The p.K505R variant (also known as c.1514A>G), located in coding exon 9 of the BRCA1 gene, results from an A to G substitution at nucleotide position 1514. The lysine at codon 505 is replaced by arginine, an amino acid with highly similar properties. This amino acid position is highly conserved in available vertebrate species. In addition, the in silico prediction for this alteration is inconclusive. Since supporting evidence is limited at this time, the clinical significance of this alteration remains unclear.

GeneDx
Classification: Uncertain significance. Last evaluated: 2016-02-26. Review status: criteria provided, single submitter. Criteria: GeneDx Variant Classification (06012015). Collection method: clinical testing. Allele origin: germline. Affected: yes.
Comment: This variant is denoted BRCA1 c.1514A>G at the cDNA level, p.Lys505Arg (K505R) at the protein level, and results in the change of a Lysine to an Arginine (AAA>AGA). Using alternate nomenclature, this variant would be defined as BRCA1 1633A>G. This variant has not, to our knowledge, been published in the literature as pathogenic or benign. BRCA1 Lys505Arg was not observed in approximately 6,500 individuals of European and African American ancestry in the NHLBI Exome Sequencing Project, suggesting it is not a common benign variant in these populations. Since Lysine and Arginine share similar properties, this is considered a conservative amino acid substitution. BRCA1 Lys505Arg occurs at a position that is conserved across species and is located in the NLS as well as the DNA binding domain (Narod 2004, Borg 2010). In silico analyses are inconsistent regarding the effect this variant may have on protein structure and function. Based on currently available evidence, it is unclear whether BRCA1 Lys505Arg is a pathogenic or benign variant. We consider it to be a variant of uncertain significance.

NM_007294.4(BRCA1):c.1514A>G (p.Lys505Arg)

Gene: BRCA1 (BRCA1 DNA repair associated; minus strand). Cytogenetic location: 17q21.31.
Variant type: single nucleotide variant.
Coding change: c.1514A>G on transcript NM_007294.4 (MANE Select); coding-DNA position 1514, A replaced by G.
Protein change: p.Lys505Arg; replaces lysine 505 with arginine.
Molecular consequence: missense variant. On other transcripts: intron variant (137).
Genome position (GRCh38, 1-based): chr17:43,094,017, T>C on the plus strand (A>G on the coding strand, the complement: BRCA1 is on the minus strand). VCF-style: chr17-43094017-T-C. GRCh37 (hg19) VCF-style: chr17-41246034-T-C.
Other names: c.1514A>G, p.Lys505Arg (NM_007300.4, NM_001407581.1, NM_001407582.1 and 30 more transcripts); c.646+727A>G (NM_001408458.1, NM_001408453.1, NM_001408469.1 and 11 more transcripts); c.784+727A>G (NM_001408397.1, NM_001408401.1, NM_001408396.1 and 13 more transcripts); c.664+727A>G (NM_001408436.1, NM_001408444.1, NM_001408438.1 and 12 more transcripts); c.787+727A>G (NM_001407993.1, NM_001407976.1, NM_001407980.1 and 19 more transcripts); c.406+727A>G (NM_001408510.1); c.643+727A>G (NM_001408470.1, NM_001408464.1, NM_001408468.1 and 3 more transcripts); c.283+727A>G (NM_001408512.1); and 40 more; short protein forms K505R, K458R, K337R, K378R, K416R, K464R, K502R, K504R.
Identifiers: ClinVar variation 246451 (VCV000246451.7), dbSNP rs879254266, ClinGen allele CA10584572.
Genomic context (GRCh38, chr17:43,094,017, plus strand): 5'-ACTGCCAAATCTGCTTTCTTGATAAAATCCTCAGGATGAAGGCCTGATGTAGGTCTCCTT[T>C]TACGCTTTAATTTATTTGTGAGGGGACGCTCTTGTATTATCTGTGGCTCAGTAACAAATG-3'
Protein context (NP_009225.1, residues 495-515): ERPLTNKLKR[Lys505Arg]RRPTSGLHPE